The following is an entry in ClinVar:

ClinVar aggregate classification (germline): Uncertain significance. Review status: criteria provided, multiple submitters, no conflicts (2 of 4 stars). 2 submissions from 2 submitters: Uncertain significance (2). Last evaluated 2025-08-13.

Conditions:
COL11A1-related disorder. Also called: COL11A1-related disorders; COL11A1-related condition.

gnomAD v4.1: 2 of 1,612,918 alleles (0.00012%); highest among the groups gnomAD compares: Non-Finnish European, 0.00017%; no homozygotes.

Submissions (2):

PreventionGenetics, part of Exact Sciences
Classification: Uncertain significance for COL11A1-related condition. Last evaluated: 2025-08-13. Review status: criteria provided, single submitter. Criteria: ACMG Guidelines, 2015. Collection method: clinical testing. Allele origin: germline.
Comment: The COL11A1 c.933+1G>T variant is predicted to disrupt the GT donor site and interfere with normal splicing. In the primary transcript listed in the the Human Gene Mutation Database, this variant is referred to as NM_001854.4:c.898-186G>T (Intronic). To our knowledge, this variant has not been reported in the literature or in a large population database (gnomAD), indicating this variant is rare. At this time, the clinical significance of this variant is uncertain due to the absence of conclusive functional and genetic evidence.

GeneDx
Classification: Uncertain significance. Last evaluated: 2021-07-27. Review status: criteria provided, single submitter. Criteria: GeneDx Variant Classification Process June 2021. Collection method: clinical testing. Allele origin: germline. Affected: yes.
Comment: Has not been previously published as pathogenic or benign to our knowledge; Not observed in large population cohorts (Lek et al., 2016); Canonical splice site variant expected to result in aberrant splicing, although in the absence of functional evidence the actual effect of this sequence change is unknown.; Occurs in an alternate transcript where no variants have been reported in the Human Gene Mutation Database

NM_001854.4(COL11A1):c.898-186G>T

Gene: COL11A1 (collagen type XI alpha 1 chain; minus strand). Cytogenetic location: 1p21.1.
Variant type: single nucleotide variant.
Coding change: c.898-186G>T on transcript NM_001854.4 (MANE Select); 186 bases into the intron before coding-DNA position 898, G replaced by T.
Molecular consequence: intron variant. On other transcripts: splice donor variant (1).
Genome position (GRCh38, 1-based): chr1:103,025,799, C>A on the plus strand (G>T on the coding strand, the complement: COL11A1 is on the minus strand). VCF-style: chr1-103025799-C-A. GRCh37 (hg19) VCF-style: chr1-103491355-C-A.
Other names: c.781-186G>T (NM_001190709.2); c.933+1G>T (NM_080629.3, NM_080629.2); c.897+417G>T (NM_080630.4).
Identifiers: ClinVar variation 1191056 (VCV001191056.3), dbSNP rs1667461680, ClinGen allele CA341155815.
Genomic context (GRCh38, chr1:103,025,799, plus strand): 5'-TTCATGATCAGAGATCTTCCAGCTTATCTAGGATAGATCTTGATTGCTTTTTCTTCGCTA[C>A]CTTTACCCCTAGTTTGGCTTTTGCTGATGCTTGATAACTTTTCTTCTTCTTGGATGAAAA-3'